The following is an entry in ClinVar:

NM_000287.4(PEX6):c.1756_1757delinsAA (p.Ala586Lys)

Gene: PEX6 (peroxisomal biogenesis factor 6; minus strand). Cytogenetic location: 6p21.1.
Variant type: Indel.
Coding change: c.1756_1757delinsAA on transcript NM_000287.4 (MANE Select); coding-DNA positions 1756 to 1757, GC replaced by AA.
Protein change: p.Ala586Lys; replaces alanine 586 with lysine.
Molecular consequence: missense variant. On other transcripts: non-coding transcript variant (1).
Genome position (GRCh38, 1-based): chr6:42,967,495-42,967,496, GC replaced by TT on the plus strand (GC replaced by AA on the coding strand, the reverse complement: PEX6 is on the minus strand). VCF-style: chr6-42967495-GC-TT. GRCh37 (hg19) VCF-style: chr6-42935233-GC-TT.
Other names: c.1492_1493delinsAA, p.Ala498Lys (NM_001316313.2); short protein forms A498K, A586K.
Identifiers: ClinVar variation 2091144 (VCV002091144.4), dbSNP rs2481217945, ClinGen allele CA2580074535.

ClinVar aggregate classification (germline): Uncertain significance (1 of 4 stars; one submission).

Conditions:
Peroxisome biogenesis disorder. Identifiers: Orphanet 79189, MedGen C1832200, MONDO:0019234. Disease mechanism: loss of function.

Submission:

Labcorp Genetics (formerly Invitae), Labcorp
Classification: Uncertain significance for Peroxisome biogenesis disorder. Last evaluated: 2022-07-09. Review status: criteria provided, single submitter. Criteria: Invitae Variant Classification Sherloc (09022015). Collection method: clinical testing. Allele origin: germline.
Comment: In summary, the available evidence is currently insufficient to determine the role of this variant in disease. Therefore, it has been classified as a Variant of Uncertain Significance. Algorithms developed to predict the effect of missense changes on protein structure and function are either unavailable or do not agree on the potential impact of this missense change (SIFT: "Not Available"; PolyPhen-2: "Probably Damaging"; Align-GVGD: "Not Available"). This variant has not been reported in the literature in individuals affected with PEX6-related conditions. Information on the frequency of this variant in the gnomAD database is not available, as this variant may be reported differently in the database. This sequence change replaces alanine, which is neutral and non-polar, with lysine, which is basic and polar, at codon 586 of the PEX6 protein (p.Ala586Lys).